The following is an entry in ClinVar:

ClinVar aggregate classification (germline): Pathogenic (1 of 4 stars; one submission).

Submission:

GeneDx
Classification: Pathogenic. Last evaluated: 2018-11-09. Review status: criteria provided, single submitter. Criteria: GeneDx Variant Classification (06012015). Collection method: clinical testing. Allele origin: germline. Affected: yes.
Comment: The Y425X nonsense variant in the CYBB gene has been reported previously in association with chronic granulomatous disease (Heyworth et al., 2001). The Y425X variant is not observed in large population cohorts (Lek et al., 2016). This pathogenic variant is predicted to cause loss of normal protein function either through protein truncation or nonsense-mediated mRNA decay. We interpret this variant as pathogenic.

NM_000397.4(CYBB):c.1275C>G (p.Tyr425Ter)

Gene: CYBB (cytochrome b-245 beta chain; plus strand). Cytogenetic location: Xp11.4.
Variant type: single nucleotide variant.
Coding change: c.1275C>G on transcript NM_000397.4 (MANE Select); coding-DNA position 1275, C replaced by G.
Protein change: p.Tyr425Ter; replaces tyrosine 425 with a stop codon.
Molecular consequence: nonsense.
Genome position (GRCh38, 1-based): chrX:37,805,129, C>G. VCF-style: chrX-37805129-C-G. GRCh37 (hg19) VCF-style: chrX-37664382-C-G.
Other names: short protein forms Y425*.
Identifiers: ClinVar variation 817514 (VCV000817514.1), dbSNP rs1602183679, ClinGen allele CA412977870.
Genomic context (GRCh38, chrX:37,805,129, plus strand): 5'-GTTAGTGGGAGCAGGGATTGGGGTCACACCCTTCGCATCCATTCTCAAGTCAGTCTGGTA[C>G]AAATATTGCAATAACGCCACCAATCTGAAGCTCAAAAAGGTAAGTCCTTTCATTTATCGG-3'